The following is an entry in ClinVar:

ClinVar aggregate classification (germline): Benign/Likely benign. Review status: criteria provided, multiple submitters, no conflicts (2 of 4 stars). 2 submissions from 2 submitters: Benign (1); Likely benign (1). Last evaluated 2026-01-11.

Conditions:
ERBIN-related disorder. Also called: ERBIN-related condition.

Allele frequency attached by ClinVar (database versions not stated): 1000 Genomes Project 30x 0.00234; 1000 Genomes Project 0.00260.
gnomAD v4.1: 590 of 1,614,138 alleles (0.037%); highest among the groups gnomAD compares: East Asian, 1.2%; 6 homozygotes.

Submissions (2):

Labcorp Genetics (formerly Invitae), Labcorp
Classification: Benign. Last evaluated: 2026-01-11. Review status: criteria provided, single submitter. Criteria: Invitae Variant Classification Sherloc (09022015). Collection method: clinical testing. Allele origin: germline.

PreventionGenetics, part of Exact Sciences
Classification: Likely benign for ERBIN-related condition. Last evaluated: 2024-10-31. Review status: criteria provided, single submitter. Criteria: ACMG Guidelines, 2015. Collection method: clinical testing. Allele origin: germline.
Comment: This variant is classified as likely benign based on ACMG/AMP sequence variant interpretation guidelines (Richards et al. 2015 PMID: 25741868, with internal and published modifications).

NM_001253697.2(ERBIN):c.3260A>G (p.Asn1087Ser)

Gene: ERBIN (erbb2 interacting protein; plus strand). Cytogenetic location: 5q12.3.
Variant type: single nucleotide variant.
Coding change: c.3260A>G on transcript NM_001253697.2 (MANE Select); coding-DNA position 3260, A replaced by G.
Protein change: p.Asn1087Ser; replaces asparagine 1087 with serine.
Molecular consequence: missense variant.
Genome position (GRCh38, 1-based): chr5:66,054,578, A>G. VCF-style: chr5-66054578-A-G. GRCh37 (hg19) VCF-style: chr5-65350406-A-G.
Other names: c.3260A>G, p.Asn1087Ser (NM_001006600.3, NM_001253698.2, NM_001253699.2 and 1 more transcripts); c.3248A>G, p.Asn1083Ser (NM_001253701.2); c.3260A>G (NM_001006600.2); short protein forms N1083S, N1087S.
Identifiers: ClinVar variation 1168297 (VCV001168297.10), dbSNP rs56330910, ClinGen allele CA3286622.